The following is an entry in ClinVar:

ClinVar aggregate classification (germline): Uncertain significance (1 of 4 stars; one submission).

Conditions:
Hereditary breast ovarian cancer syndrome. Also called: Hereditary breast and ovarian cancer; Hereditary breast and/or ovarian cancer syndrome; Hereditary breast and ovarian cancer syndrome; Hereditary breast and ovarian cancer syndrome (HBOC); Breast and ovarian cancer; BRCA1- and BRCA2-Associated Hereditary Breast and Ovarian Cancer. Identifiers: Orphanet 145, MedGen C0677776, MeSH D061325, MONDO:0003582. Disease mechanism: loss of function.

Submission:

Labcorp Genetics (formerly Invitae), Labcorp
Classification: Uncertain significance for Hereditary breast ovarian cancer syndrome. Last evaluated: 2019-10-27. Review status: criteria provided, single submitter. Criteria: Invitae Variant Classification Sherloc (09022015). Collection method: clinical testing. Allele origin: germline.
Comment: This sequence change replaces aspartic acid with asparagine at codon 1505 of the BRCA1 protein (p.Asp1505Asn). The aspartic acid residue is weakly conserved and there is a small physicochemical difference between aspartic acid and asparagine. This variant is not present in population databases (ExAC no frequency). This variant has not been reported in the literature in individuals with BRCA1-related conditions. Algorithms developed to predict the effect of missense changes on protein structure and function output the following: SIFT: "Tolerated"; PolyPhen-2: "Benign"; Align-GVGD: "Class C0". The asparagine amino acid residue is found in multiple mammalian species, suggesting that this missense change does not adversely affect protein function. These predictions have not been confirmed by published functional studies and their clinical significance is uncertain. In summary, the available evidence is currently insufficient to determine the role of this variant in disease. Therefore, it has been classified as a Variant of Uncertain Significance.

NM_007294.4(BRCA1):c.4513G>A (p.Asp1505Asn)

Gene: BRCA1 (BRCA1 DNA repair associated; minus strand). Cytogenetic location: 17q21.31.
Variant type: single nucleotide variant.
Coding change: c.4513G>A on transcript NM_007294.4 (MANE Select); coding-DNA position 4513, G replaced by A.
Protein change: p.Asp1505Asn; replaces aspartic acid 1505 with asparagine.
Molecular consequence: missense variant. On other transcripts: non-coding transcript variant (1).
Genome position (GRCh38, 1-based): chr17:43,074,493, C>T on the plus strand (G>A on the coding strand, the complement: BRCA1 is on the minus strand). VCF-style: chr17-43074493-C-T. GRCh37 (hg19) VCF-style: chr17-41226510-C-T.
Other names: c.4510G>A, p.Asp1504Asn (NM_001407625.1, NM_001407626.1, NM_001407613.1 and 17 more transcripts); c.4507G>A, p.Asp1503Asn (NM_001407627.1, NM_001407628.1, NM_001407629.1 and 14 more transcripts); c.4429G>A, p.Asp1477Asn (NM_001407662.1, NM_001407663.1, NM_001407659.1 and 2 more transcripts); c.4504G>A, p.Asp1502Asn (NM_001407644.1, NM_001407645.1); c.4501G>A, p.Asp1501Asn (NM_001407646.1); c.4498G>A, p.Asp1500Asn (NM_001407647.1); c.4456G>A, p.Asp1486Asn (NM_001407648.1); c.4390G>A, p.Asp1464Asn (NM_001407664.1, NM_001407665.1, NM_001407666.1 and 6 more transcripts); and 68 more; short protein forms D1526N, D1458N, D1505N, D401N, D1376N, D1434N, D1435N, D1461N.
Identifiers: ClinVar variation 965452 (VCV000965452.11), dbSNP rs1555582052, ClinGen allele CA10592503.